The following is an entry in ClinVar:

NM_003482.4(KMT2D):c.12944_12945del (p.Gln4315fs)

Gene: KMT2D (lysine methyltransferase 2D; minus strand). Cytogenetic location: 12q13.12.
Variant type: Deletion.
Coding change: c.12944_12945del on transcript NM_003482.4 (MANE Select); coding-DNA positions 12944 to 12945, 2 bases deleted (AA; older notation c.12944_12945delAA).
Protein change: p.Gln4315fs; shifts the reading frame from glutamine 4315.
Molecular consequence: frameshift variant.
Genome position (GRCh38, 1-based): chr12:49,031,760-49,031,761, TT deleted on the plus strand (AA on the coding strand, the reverse complement: KMT2D is on the minus strand). VCF-style (leftmost placement, unchanged base first): chr12-49031759-CTT-C. GRCh37 (hg19) VCF-style: chr12-49425542-CTT-C.
Other names: c.12944_12945delAA (NM_003482.3); c.12944_12945del (NM_003482.3); short protein forms Q4315fs.
Identifiers: ClinVar variation 817336 (VCV000817336.2), dbSNP rs1592116475, ClinGen allele CA915948275.

ClinVar aggregate classification (germline): Pathogenic (1 of 4 stars; one submission).

Submission:

GeneDx
Classification: Pathogenic. Last evaluated: 2025-09-25. Review status: criteria provided, single submitter. Criteria: GeneDx Variant Classification Process June 2021. Collection method: clinical testing. Allele origin: germline. Affected: yes.
Comment: Frameshift variant predicted to result in protein truncation or nonsense mediated decay in a gene for which loss of function is a known mechanism of disease; Not observed at significant frequency in large population cohorts (gnomAD); Has not been previously published as pathogenic or benign to our knowledge